The following is an entry in ClinVar:

NM_024301.5(FKRP):c.586G>C (p.Gly196Arg)

Gene: FKRP (fukutin related protein; plus strand). Cytogenetic location: 19q13.32.
Variant type: single nucleotide variant.
Coding change: c.586G>C on transcript NM_024301.5 (MANE Select); coding-DNA position 586, G replaced by C.
Protein change: p.Gly196Arg; replaces glycine 196 with arginine.
Molecular consequence: missense variant.
Genome position (GRCh38, 1-based): chr19:46,756,036, G>C. VCF-style: chr19-46756036-G-C. GRCh37 (hg19) VCF-style: chr19-47259293-G-C.
Other names: c.586G>C, p.Gly196Arg (NM_001039885.3); short protein forms G196R.
Identifiers: ClinVar variation 282824 (VCV000282824.53), dbSNP rs759875552, ClinGen allele CA9532174.

ClinVar aggregate classification (germline): Conflicting classifications of pathogenicity. Review status: criteria provided, conflicting classifications (1 of 4 stars). 8 submissions from 8 submitters: Pathogenic (2); Likely pathogenic (2); Uncertain significance (3). 1 of the submissions does not count toward it. Last evaluated 2025-09-24.

Conditions:
Walker-Warburg congenital muscular dystrophy. Also called: Muscular dystrophy-dystroglycanopathy, type A; Walker-Warburg syndrome. Identifiers: Orphanet 899, MedGen C0265221, MONDO:0000171.
Myopathy caused by variation in FKRP. Identifiers: MedGen CN305637, MONDO:0700066.
Cardiovascular phenotype. Identifiers: MedGen CN230736.
Autosomal recessive limb-girdle muscular dystrophy type 2I. Also called: MUSCULAR DYSTROPHY-DYSTROGLYCANOPATHY, LIMB-GIRDLE, FRKP-RELATED; MUSCULAR DYSTROPHY-DYSTROGLYCANOPATHY (LIMB-GIRDLE), TYPE C, 5; MUSCULAR DYSTROPHY, LIMB-GIRDLE, TYPE 2I. Identifiers: Orphanet 34515, MedGen C1846672, MONDO:0011787, OMIM 607155.
Muscular dystrophy-dystroglycanopathy (congenital with brain and eye anomalies), type A5. Also called: MUSCULAR DYSTROPHY-DYSTROGLYCANOPATHY (CONGENITAL WITH BRAIN AND EYE ANOMALIES), TYPE A, 5; WALKER-WARBURG SYNDROME OR MUSCLE-EYE-BRAIN DISEASE, FKRP-RELATED. Identifiers: Orphanet 588, Orphanet 899, MedGen C3150413, MONDO:0013157, OMIM 613153.

Allele frequency attached by ClinVar (database versions not stated): ExAC 0.00002; TOPMed 0.00002.
gnomAD v4.1: 10 of 1,579,308 alleles (0.00063%); highest among the groups gnomAD compares: African/African-American, 0.0014%; no homozygotes.

Submissions (8):

Myriad Genetics, Inc.
Classification: Likely pathogenic for Myopathy caused by variation in FKRP. Last evaluated: 2025-09-24. Review status: criteria provided, single submitter. Criteria: Myriad Autosomal Dominant, Autosomal Recessive and X-Linked Classification Criteria (2023). Collection method: clinical testing. Allele origin: unknown.
Comment: NM_024301.4(FKRP):c.586G>C(G196R) is a missense variant classified as likely pathogenic in the context of FKRP-related disorders. G196R has been observed in cases with relevant disease (PMID: 32429923, 18832576, 32115343, 24257234). Relevant functional assessments of this variant are not available in the literature. G196R has been observed in referenced population frequency databases. In summary, NM_024301.4(FKRP):c.586G>C(G196R) is a missense variant that has been observed more frequently in cases with the relevant disease than in healthy populations. Please note: this variant was assessed in the context of healthy population screening.

Natera, Inc.
Classification: Likely pathogenic for Limb-girdle muscular dystrophy type 2I. Last evaluated: 2025-04-15. Review status: criteria provided, single submitter. Criteria: Natera Variant Classification Schema (03/2026). Collection method: clinical testing. Allele origin: germline.
Comment: The c.586G>C variant in FKRP is a missense variant predicted to cause substitution of glycine to arginine at amino acid 196. This variant is rare in the general population with a frequency below the threshold expected for the associated phenotype(s). This variant has been observed in one or more individuals affected with the associated recessive disease, as either homozygous or compound heterozygous with a second variant (PMID: 33961310, 32429923, 32342672, 18832576). Computational prediction algorithms indicate this variant is likely to affect gene or protein function. Given the available evidence, this variant is classified as Likely Pathogenic.

Baylor Genetics
Classification: Pathogenic for Muscular dystrophy-dystroglycanopathy (congenital with brain and eye anomalies), type A5. Last evaluated: 2023-11-17. Review status: criteria provided, single submitter. Criteria: ACMG Guidelines, 2015. Collection method: clinical testing. Allele origin: unknown.

Ambry Genetics
Classification: Uncertain significance for Cardiovascular phenotype. Last evaluated: 2023-09-29. Review status: criteria provided, single submitter. Criteria: Ambry Variant Classification Scheme 2023. Collection method: clinical testing. Allele origin: germline.
Comment: The p.G196R variant (also known as c.586G>C), located in coding exon 1 of the FKRP gene, results from a G to C substitution at nucleotide position 586. The glycine at codon 196 is replaced by arginine, an amino acid with dissimilar properties. This variant has been reported in muscular dystrophy cohorts; however, clinical details were limited in some cases (Kesari A et al. Am J Pathol, 2008 Nov;173:1476-87; McMillan HJ et al. Can J Neurol Sci, 2013 Nov;40:875-7; Gonzalez-Perez P et al. Neuromuscul Disord, 2020 Mar;30:213-218; Leung DG et al. BMC Neurol, 2020 May;20:196). This amino acid position is highly conserved in available vertebrate species. In addition, this alteration is predicted to be deleterious by in silico analysis. Since supporting evidence is limited at this time, the clinical significance of this alteration remains unclear.

Labcorp Genetics (formerly Invitae), Labcorp
Classification: Uncertain significance for Walker-Warburg congenital muscular dystrophy. Last evaluated: 2022-04-11. Review status: criteria provided, single submitter. Criteria: Invitae Variant Classification Sherloc (09022015). Collection method: clinical testing. Allele origin: germline.
Comment: This sequence change replaces glycine, which is neutral and non-polar, with arginine, which is basic and polar, at codon 196 of the FKRP protein (p.Gly196Arg). The frequency data for this variant in the population databases is considered unreliable, as metrics indicate poor data quality at this position in the gnomAD database. This missense change has been observed in individuals with limb-girdle muscular dystrophy (PMID: 18832576, 32429923). ClinVar contains an entry for this variant (Variation ID: 282824). Algorithms developed to predict the effect of missense changes on protein structure and function are either unavailable or do not agree on the potential impact of this missense change (SIFT: "Tolerated"; PolyPhen-2: "Probably Damaging"; Align-GVGD: "Class C0"). In summary, the available evidence is currently insufficient to determine the role of this variant in disease. Therefore, it has been classified as a Variant of Uncertain Significance.

CeGaT Center for Human Genetics Tuebingen
Classification: Pathogenic. Last evaluated: 2018-12-01. Review status: criteria provided, single submitter. Criteria: CeGaT Center For Human Genetics Tuebingen Variant Classification Criteria Version 2. Collection method: clinical testing. Allele origin: germline. Affected: yes. Observed: 1 variant allele.

Eurofins Ntd Llc (ga)
Classification: Uncertain significance. Last evaluated: 2015-10-06. Review status: criteria provided, single submitter. Criteria: EGL Classification Definitions 2015. Collection method: clinical testing. Allele origin: germline. Observed: 2 variant alleles, 2 heterozygotes.

Counsyl
Classification: Uncertain significance for Autosomal recessive limb-girdle muscular dystrophy type 2I. Last evaluated: 2018-04-10. Review status: no assertion criteria provided. Collection method: clinical testing. Allele origin: unknown. Not counted in ClinVar's aggregate classification.

Literature cited by the submitters: PubMed 18832576 (cited by 5 submitters); PubMed 24257234 (cited by Myriad Genetics, Inc. and Ambry Genetics); PubMed 32115343 (cited by Myriad Genetics, Inc. and Ambry Genetics); PubMed 32429923 (cited by 4 submitters); PubMed 33961310 (cited by Natera, Inc.); PubMed 32342672 (cited by Natera, Inc.).